The following is an entry in ClinVar:

ClinVar aggregate classification (germline): Conflicting classifications of pathogenicity. Review status: criteria provided, conflicting classifications (1 of 4 stars). 3 submissions from 3 submitters: Uncertain significance (2); Likely benign (1). Last evaluated 2022-01-24.

Conditions:
Ataxia-telangiectasia syndrome (AT). Also called: Ataxia-telangiectasia, complementation group D; Ataxia-telangiectasia, complementation group E; LOUIS-BAR SYNDROME; AT, COMPLEMENTATION GROUP C; ATAXIA-TELANGIECTASIA, COMPLEMENTATION GROUP A; ATAXIA-TELANGIECTASIA, FRESNO VARIANT. Identifiers: Orphanet 100, MedGen C0004135, MONDO:0008840, OMIM 208900.
Hereditary cancer-predisposing syndrome. Also called: Neoplastic Syndromes, Hereditary; Hereditary neoplastic syndrome; Hereditary Cancer Syndrome; Tumor predisposition. Identifiers: Orphanet 140162, MedGen C0027672, MeSH D009386, MONDO:0015356.

Submissions (3):

Ambry Genetics
Classification: Uncertain significance for Hereditary cancer-predisposing syndrome. Last evaluated: 2022-01-24. Review status: criteria provided, single submitter. Criteria: Ambry Variant Classification Scheme 2023. Collection method: clinical testing. Allele origin: germline.
Comment: The c.7516-5G>A intronic variant results from a G to A substitution 5 nucleotides upstream from coding exon 50 in the ATM gene. This nucleotide position is not well conserved in available vertebrate species. In silico splice site analysis predicts that this alteration will result in the creation or strengthening of a novel splice acceptor site. Since supporting evidence is limited at this time, the clinical significance of this alteration remains unclear.

Labcorp Genetics (formerly Invitae), Labcorp
Classification: Uncertain significance for Ataxia-telangiectasia syndrome. Last evaluated: 2022-01-23. Review status: criteria provided, single submitter. Criteria: Invitae Variant Classification Sherloc (09022015). Collection method: clinical testing. Allele origin: germline.
Comment: This sequence change falls in intron 50 of the ATM gene. It does not directly change the encoded amino acid sequence of the ATM protein. RNA analysis indicates that this variant induces altered splicing and may result in an absent or disrupted protein product. This variant is not present in population databases (gnomAD no frequency). This variant has not been reported in the literature in individuals affected with ATM-related conditions. ClinVar contains an entry for this variant (Variation ID: 380364). In summary, the available evidence is currently insufficient to determine the role of this variant in disease. Therefore, it has been classified as a Variant of Uncertain Significance. Studies have shown that this variant results in activation of a cryptic splice site and introduces a premature termination codon (Invitae). The resulting mRNA is expected to undergo nonsense-mediated decay.

GeneDx
Classification: Likely benign. Last evaluated: 2015-08-07. Review status: criteria provided, single submitter. Criteria: GeneDx Variant Classification (06012015). Collection method: clinical testing. Allele origin: germline. Affected: yes.
Comment: This variant is considered likely benign or benign based on one or more of the following criteria: it is a conservative change, it occurs at a poorly conserved position in the protein, it is predicted to be benign by multiple in silico algorithms, and/or has population frequency not consistent with disease.

NM_000051.4(ATM):c.7516-5G>A

Genes: ATM (ATM serine/threonine kinase; plus strand), C11orf65 (chromosome 11 open reading frame 65; minus strand). Cytogenetic location: 11q22.3.
Variant type: single nucleotide variant.
Coding change: c.7516-5G>A on transcript NM_000051.4 (MANE Select); 5 bases into the intron before coding-DNA position 7516, G replaced by A.
Molecular consequence: intron variant. On other transcripts: non-coding transcript variant (1).
Genome position (GRCh38, 1-based): chr11:108,331,439, G>A. VCF-style: chr11-108331439-G-A. GRCh37 (hg19) VCF-style: chr11-108202166-G-A.
Other names: c.7516-5G>A (NM_001351834.2); c.641-22368C>T (NM_001330368.2); c.*38+3781C>T (NM_001351110.2).
Identifiers: ClinVar variation 380364 (VCV000380364.10), dbSNP rs1057520837, ClinGen allele CA16606211.